The following is an entry in ClinVar:

NM_000059.4(BRCA2):c.2167A>C (p.Ser723Arg)

Gene: BRCA2 (BRCA2 DNA repair associated; plus strand). Cytogenetic location: 13q13.1.
Variant type: single nucleotide variant.
Coding change: c.2167A>C on transcript NM_000059.4 (MANE Select); coding-DNA position 2167, A replaced by C.
Protein change: p.Ser723Arg; replaces serine 723 with arginine.
Molecular consequence: missense variant.
Genome position (GRCh38, 1-based): chr13:32,336,522, A>C. VCF-style: chr13-32336522-A-C. GRCh37 (hg19) VCF-style: chr13-32910659-A-C.
Other names: c.2167A>C, p.Ser723Arg (NM_001406719.1, NM_001406720.1); short protein forms S723R.
Identifiers: ClinVar variation 2006845 (VCV002006845.6), dbSNP rs2137483874, ClinGen allele CA387770274.

ClinVar aggregate classification (germline): Conflicting classifications of pathogenicity. Review status: criteria provided, conflicting classifications (1 of 4 stars). 2 submissions from 2 submitters: Uncertain significance (1); Likely benign (1). Last evaluated 2023-03-23.

Conditions:
Hereditary cancer-predisposing syndrome. Also called: Hereditary neoplastic syndrome; Hereditary Cancer Syndrome; Tumor predisposition; Neoplastic Syndromes, Hereditary. Identifiers: Orphanet 140162, MedGen C0027672, MeSH D009386, MONDO:0015356.
Hereditary breast ovarian cancer syndrome. Also called: BRCA1- and BRCA2-Associated Hereditary Breast and Ovarian Cancer; Hereditary breast and ovarian cancer syndrome (HBOC); Hereditary breast and/or ovarian cancer syndrome; Hereditary breast and ovarian cancer; Breast and ovarian cancer; Hereditary breast and ovarian cancer syndrome. Identifiers: Orphanet 145, MedGen C0677776, MeSH D061325, MONDO:0003582. Disease mechanism: loss of function.

Submissions (2):

University of Washington Department of Laboratory Medicine, University of Washington
Classification: Likely benign for Hereditary cancer-predisposing syndrome. Last evaluated: 2023-03-23. Review status: criteria provided, single submitter. Criteria: Dines et al. (Genet Med. 2020). Collection method: curation. Allele origin: germline.
Comment: Missense variant in a coldspot region where missense variants are very unlikely to be pathogenic (PMID:31911673).

BRCA2 exon 11 coldspot. Reclassification based on statistical prior probability.

Labcorp Genetics (formerly Invitae), Labcorp
Classification: Uncertain significance for Hereditary breast ovarian cancer syndrome. Last evaluated: 2022-06-15. Review status: criteria provided, single submitter. Criteria: Invitae Variant Classification Sherloc (09022015). Collection method: clinical testing. Allele origin: germline.
Comment: Advanced modeling of protein sequence and biophysical properties (such as structural, functional, and spatial information, amino acid conservation, physicochemical variation, residue mobility, and thermodynamic stability) performed at Invitae indicates that this missense variant is not expected to disrupt BRCA2 protein function. In summary, the available evidence is currently insufficient to determine the role of this variant in disease. Therefore, it has been classified as a Variant of Uncertain Significance. This variant has not been reported in the literature in individuals affected with BRCA2-related conditions. This variant is not present in population databases (gnomAD no frequency). This sequence change replaces serine, which is neutral and polar, with arginine, which is basic and polar, at codon 723 of the BRCA2 protein (p.Ser723Arg).